The following is an entry in ClinVar:

ClinVar aggregate classification (germline): Conflicting classifications of pathogenicity. Review status: criteria provided, conflicting classifications (1 of 4 stars). 12 submissions from 12 submitters: Likely pathogenic (1); Uncertain significance (9). 2 of the submissions do not count toward it. Last evaluated 2026-06-09.

Conditions:
Connective tissue disorder. Also called: Connective tissue disease. Identifiers: MedGen C0009782, MONDO:0003900.
Marfan syndrome (MFS). Also called: Marfan syndrome, classic; FBN1-Related Marfan Syndrome; Marfan syndrome type 1; Marfan's syndrome; MARFAN SYNDROME, TYPE I. Identifiers: Orphanet 284963, Orphanet 558, MedGen C0024796, MONDO:0007947, OMIM 154700.
Familial thoracic aortic aneurysm and aortic dissection (TAAD). Also called: Thoracic aortic aneurysms and dissections. Identifiers: Orphanet 91387, MedGen C4707243, MONDO:0019625.
Acromicric dysplasia (ACMICD). Also called: Acromicric skeletal dysplasia. Identifiers: Orphanet 969, MedGen C0265287, MONDO:0007055, OMIM 102370.
FBN1-related disorder. Also called: FBN1-related disorders.

Allele frequency attached by ClinVar (database versions not stated): ExAC 0.00002; gnomAD 0.00001; gnomAD exomes 0.00002; TOPMed 0.00002.
gnomAD v4.1: 28 of 1,613,906 alleles (0.0017%); highest among the groups gnomAD compares: East Asian, 0.0022%; no homozygotes.

Submissions (12):

PreventionGenetics, part of Exact Sciences
Classification: Uncertain significance for FBN1-related condition. Last evaluated: 2026-06-09. Review status: criteria provided, single submitter. Criteria: ACMG Guidelines, 2015. Collection method: clinical testing. Allele origin: germline.
Comment: The FBN1 c.6917G>A variant is predicted to result in the amino acid substitution p.Arg2306His. This variant has been reported in an individual with suspected Marfan syndrome, but did not meet Ghent diagnostic criteria upon review (Mannucci et al. 2019. PubMed ID: 31730815). This variant was reported as occurring de novo in an individual from a large autism cohort study (supplementary dataset 1, Zhou et al. 2022. PubMed ID: 35982159). This variant is reported in 0.0035% of alleles in individuals of European (non-Finnish) descent in gnomAD, and it has conflicting classifications in the ClinVar database ranging from uncertain to likely pathogenic (Variation ID: 200097). An alternate missense change impacting the same amino acid (p.Arg2306Cys) has been reported to segregate with disease in most tested members of a large family with thoracic aortic aneurysm (Haan et al. 2021. PubMed ID: 33878224). At this time, the clinical significance of the c.6917G>A (p.Arg2306His) variant is uncertain due to the absence of conclusive functional and genetic evidence.

Ambry Genetics
Classification: Uncertain significance for Familial thoracic aortic aneurysm and aortic dissection. Last evaluated: 2026-06-08. Review status: criteria provided, single submitter. Criteria: Ambry Variant Classification Scheme 2023. Collection method: clinical testing. Allele origin: germline.
Comment: The p.R2306H variant (also known as c.6917G>A), located in coding exon 56 of the FBN1 gene, results from a G to A substitution at nucleotide position 6917. The arginine at codon 2306 is replaced by histidine, an amino acid with highly similar properties. This variant was reported in individual(s) with features that may be consistent with Marfan syndrome (Mannucci L et al. Clin Chim Acta, 2020 Feb;501:154-164; external communication; Ambry internal data). This amino acid position is highly conserved in available vertebrate species. In addition, the in silico prediction for this alteration is inconclusive. Based on the available evidence, the clinical significance of this variant remains unclear.

Labcorp Genetics (formerly Invitae), Labcorp
Classification: Likely pathogenic for Marfan syndrome; Familial thoracic aortic aneurysm and aortic dissection. Last evaluated: 2026-01-31. Review status: criteria provided, single submitter. Criteria: Invitae Variant Classification Sherloc (09022015). Collection method: clinical testing. Allele origin: germline.
Comment: This sequence change replaces arginine, which is basic and polar, with histidine, which is basic and polar, at codon 2306 of the FBN1 protein (p.Arg2306His). This variant is present in population databases (rs770443276, gnomAD 0.003%). This missense change has been observed in individuals with clinical features of FBN1-related conditions (PMID: 31730815; internal data). ClinVar contains an entry for this variant (Variation ID: 200097). Invitae Evidence Modeling of protein sequence and biophysical properties (such as structural, functional, and spatial information, amino acid conservation, physicochemical variation, residue mobility, and thermodynamic stability) has been performed for this missense variant. However, the output from this modeling did not meet the statistical confidence thresholds required to predict the impact of this variant on FBN1 protein function. In summary, the currently available evidence indicates that the variant is pathogenic, but additional data are needed to prove that conclusively. Therefore, this variant has been classified as Likely Pathogenic.

GeneDx
Classification: Uncertain significance. Last evaluated: 2024-12-30. Review status: criteria provided, single submitter. Criteria: GeneDx Variant Classification Process June 2021. Collection method: clinical testing. Allele origin: germline. Affected: yes.
Comment: Reported in a patient with some features of Marfan syndrome who did not meet diagnostic criteria (PMID: 31730815); Not observed at significant frequency in large population cohorts (gnomAD); Does not affect a cysteine or calcium-binding residue within an EGF-like domain or a TGF-binding protein domain of the FBN1 gene; cysteine substitutions in the EGF-like domains represent the majority of pathogenic missense changes associated with FBN1-related disorders (PMID: 12938084); In silico analysis indicates that this missense variant does not alter protein structure/function; This variant is associated with the following publications: (PMID: 31589614, 28714951, 31785789, 35982160, 35982159, 12938084, 31730815)

Color Diagnostics, LLC DBA Color Health
Classification: Uncertain significance for Familial thoracic aortic aneurysm and aortic dissection. Last evaluated: 2024-09-03. Review status: criteria provided, single submitter. Criteria: ACMG Guidelines, 2015. Collection method: clinical testing. Allele origin: germline.
Comment: This missense variant replaces arginine with histidine at codon 2306 of the FBN1 protein. Computational prediction tools indicate that this variant has a deleterious impact on protein structure and function. To our knowledge, functional studies have not been reported for this variant. This variant has been reported in an individual suspected to be affected with Marfan syndrome but who did not fulfill Ghent diagnostic criteria (PMID: 31730815). This variant has been identified in 5/251252 chromosomes in the general population by the Genome Aggregation Database (gnomAD). The available evidence is insufficient to determine the role of this variant in disease conclusively. Therefore, this variant is classified as a Variant of Uncertain Significance.

Blueprint Genetics
Classification: Uncertain significance. Last evaluated: 2024-09-02. Review status: criteria provided, single submitter. Criteria: ACMG Guidelines, 2015. Collection method: clinical testing. Allele origin: germline.

All of Us Research Program, National Institutes of Health
Classification: Uncertain significance for Marfan syndrome. Last evaluated: 2024-08-29. Review status: criteria provided, single submitter. Criteria: ACMG Guidelines, 2015. Collection method: clinical testing. Allele origin: germline. Inheritance: Autosomal dominant inheritance. Observed: 15 variant alleles, 15 heterozygotes.
Comment: This missense variant replaces arginine with histidine at codon 2306 of the FBN1 protein. Computational prediction suggests that this variant may have deleterious impact on protein structure and function (internally defined REVEL score threshold >= 0.7, PMID: 27666373). To our knowledge, functional studies have not been reported for this variant. This variant has been reported in two individuals with clinical features of FBN1-related conditions (PMID: 31730815, ClinVare SCV000960337.5). This variant has been identified in 5/251252 chromosomes in the general population by the Genome Aggregation Database (gnomAD). The available evidence is insufficient to determine the role of this variant in disease conclusively. Therefore, this variant is classified as a Variant of Uncertain Significance.

This study involves interpretation of variants in research participants for the purpose of population health screening. Participant phenotype was not available at the time of variant classification. Additional details can be found in publication PMID: 35346344, PMCID: PMC8962531

Laboratory of Medical Genetics, National & Kapodistrian University of Athens
Classification: Uncertain significance for Marfan syndrome. Last evaluated: 2021-10-06. Review status: criteria provided, single submitter. Criteria: ACMG Guidelines, 2015. Collection method: clinical testing. Allele origin: unknown.
Comment: PM2, PP2, PP3

Genome Diagnostics Laboratory, The Hospital for Sick Children
Classification: Uncertain significance for Connective tissue disorder. Last evaluated: 2020-10-30. Review status: criteria provided, single submitter. Criteria: ACMG Guidelines, 2015. Collection method: clinical testing. Allele origin: germline.

Institute of Human Genetics, University of Leipzig Medical Center
Classification: Uncertain significance for Acromicric dysplasia. Last evaluated: 2019-01-01. Review status: criteria provided, single submitter. Criteria: ACMG Guidelines, 2015. Collection method: clinical testing. Allele origin: unknown. Affected: yes.

Clinical Genetics DNA and cytogenetics Diagnostics Lab, Erasmus MC, Erasmus Medical Center
Classification: Uncertain significance. Review status: no assertion criteria provided. Collection method: clinical testing. Allele origin: germline. Affected: yes. Study: VKGL Data-share Consensus. Not counted in ClinVar's aggregate classification.

Laboratory of Diagnostic Genome Analysis, Leiden University Medical Center (LUMC)
Classification: Uncertain significance. Review status: no assertion criteria provided. Collection method: clinical testing. Allele origin: germline. Affected: yes. Study: VKGL Data-share Consensus. Not counted in ClinVar's aggregate classification.

Literature cited by the submitters: PubMed 31730815 (cited by 4 submitters).

NM_000138.5(FBN1):c.6917G>A (p.Arg2306His)

Gene: FBN1 (fibrillin 1; minus strand). Cytogenetic location: 15q21.1.
Variant type: single nucleotide variant.
Coding change: c.6917G>A on transcript NM_000138.5 (MANE Select); coding-DNA position 6917, G replaced by A.
Protein change: p.Arg2306His; replaces arginine 2306 with histidine.
Molecular consequence: missense variant.
Genome position (GRCh38, 1-based): chr15:48,428,426, C>T on the plus strand (G>A on the coding strand, the complement: FBN1 is on the minus strand). VCF-style: chr15-48428426-C-T. GRCh37 (hg19) VCF-style: chr15-48720623-C-T.
Other names: p.R2306H:CGC>CAC; short protein forms R2306H.
Identifiers: ClinVar variation 200097 (VCV000200097.32), dbSNP rs770443276, ClinGen allele CA016829.